The following is an entry in ClinVar:

ClinVar aggregate classification (germline): Uncertain significance (1 of 4 stars; one submission).

Allele frequency attached by ClinVar (database versions not stated): gnomAD exomes below 0.00001.
gnomAD v4.1: 1 of 1,211,363 alleles (0.000083%); highest among the groups gnomAD compares: Non-Finnish European, 0.00011%; no homozygotes.

Submission:

GeneDx
Classification: Uncertain significance. Last evaluated: 2023-01-10. Review status: criteria provided, single submitter. Criteria: GeneDx Variant Classification Process June 2021. Collection method: clinical testing. Allele origin: germline. Affected: yes.
Comment: Not observed at significant frequency in large population cohorts (gnomAD); In silico analysis supports that this missense variant has a deleterious effect on protein structure/function; Has not been previously published as pathogenic or benign to our knowledge

NM_152424.4(AMER1):c.1517A>G (p.Tyr506Cys)

Gene: AMER1 (APC membrane recruitment protein 1; minus strand). Cytogenetic location: Xq11.2.
Variant type: single nucleotide variant.
Coding change: c.1517A>G on transcript NM_152424.4 (MANE Select); coding-DNA position 1517, A replaced by G.
Protein change: p.Tyr506Cys; replaces tyrosine 506 with cysteine.
Molecular consequence: missense variant.
Genome position (GRCh38, 1-based): chrX:64,191,770, T>C on the plus strand (A>G on the coding strand, the complement: AMER1 is on the minus strand). VCF-style: chrX-64191770-T-C. GRCh37 (hg19) VCF-style: chrX-63411650-T-C.
Other names: short protein forms Y506C.
Identifiers: ClinVar variation 2571976 (VCV002571976.1), dbSNP rs2147088075, ClinGen allele CA413307568.